The following is an entry in ClinVar:

ClinVar aggregate classification (germline): Uncertain significance. Review status: criteria provided, multiple submitters, no conflicts (2 of 4 stars). 2 submissions from 2 submitters: Uncertain significance (2). Last evaluated 2024-12-12.

Conditions:
Hereditary cancer-predisposing syndrome. Also called: Hereditary neoplastic syndrome; Neoplastic Syndromes, Hereditary; Hereditary Cancer Syndrome; Tumor predisposition. Identifiers: Orphanet 140162, MedGen C0027672, MeSH D009386, MONDO:0015356.
Familial adenomatous polyposis 1 (FAP1). Also called: FAMILIAL ADENOMATOUS POLYPOSIS 1, ATTENUATED; POLYPOSIS, ADENOMATOUS INTESTINAL. Identifiers: MedGen C2713442, MONDO:0021056, OMIM 175100. Disease mechanism: loss of function.

Submissions (2):

Ambry Genetics
Classification: Uncertain significance for Hereditary cancer-predisposing syndrome. Last evaluated: 2024-12-12. Review status: criteria provided, single submitter. Criteria: Ambry Variant Classification Scheme 2023. Collection method: clinical testing. Allele origin: germline.
Comment: The p.A300S variant (also known as c.898G>T), located in coding exon 8 of the APC gene, results from a G to T substitution at nucleotide position 898. The alanine at codon 300 is replaced by serine, an amino acid with similar properties. This amino acid position is not well conserved in available vertebrate species. In addition, in silico predictors for this gene do not accurately predict pathogenicity. Missense alterations in APC are not a common cause of disease (Spier I et al. Genet Med. 2024 Feb;26(2):100992). Based on the available evidence, the clinical significance of this variant remains unclear.

Labcorp Genetics (formerly Invitae), Labcorp
Classification: Uncertain significance for Familial adenomatous polyposis 1. Last evaluated: 2023-11-15. Review status: criteria provided, single submitter. Criteria: Invitae Variant Classification Sherloc (09022015). Collection method: clinical testing. Allele origin: germline.
Comment: This sequence change replaces alanine, which is neutral and non-polar, with serine, which is neutral and polar, at codon 300 of the APC protein (p.Ala300Ser). This variant is not present in population databases (gnomAD no frequency). This variant has not been reported in the literature in individuals affected with APC-related conditions. ClinVar contains an entry for this variant (Variation ID: 1717268). Advanced modeling of protein sequence and biophysical properties (such as structural, functional, and spatial information, amino acid conservation, physicochemical variation, residue mobility, and thermodynamic stability) performed at Invitae indicates that this missense variant is not expected to disrupt APC protein function with a negative predictive value of 95%. In summary, the available evidence is currently insufficient to determine the role of this variant in disease. Therefore, it has been classified as a Variant of Uncertain Significance.

NM_000038.6(APC):c.898G>T (p.Ala300Ser)

Gene: APC (APC regulator of Wnt signaling pathway; plus strand). Cytogenetic location: 5q22.2.
Variant type: single nucleotide variant.
Coding change: c.898G>T on transcript NM_000038.6 (MANE Select); coding-DNA position 898, G replaced by T.
Protein change: p.Ala300Ser; replaces alanine 300 with serine.
Molecular consequence: missense variant.
Genome position (GRCh38, 1-based): chr5:112,815,558, G>T. VCF-style: chr5-112815558-G-T. GRCh37 (hg19) VCF-style: chr5-112151255-G-T.
Other names: c.898G>T, p.Ala300Ser (NM_001127510.3, NM_001354895.2, NM_001354896.2 and 12 more transcripts); c.844G>T, p.Ala282Ser (NM_001127511.3); c.928G>T, p.Ala310Ser (NM_001354897.2, NM_001354902.2, NM_001407446.1); c.823G>T, p.Ala275Ser (NM_001354898.2, NM_001354904.2, NM_001407451.1); c.814G>T, p.Ala272Ser (NM_001354899.2, NM_001407452.1, NM_001407467.1 and 1 more transcripts); c.721G>T, p.Ala241Ser (NM_001354900.2, NM_001354901.2, NM_001354905.2 and 1 more transcripts); c.49G>T, p.Ala17Ser (NM_001354906.2, NM_001407470.1, NM_001407471.1 and 1 more transcripts); c.898G>T (NM_000038.5); short protein forms A17S, A241S, A272S, A275S, A282S, A300S, A310S.
Identifiers: ClinVar variation 1717268 (VCV001717268.7), dbSNP rs1762425966, ClinGen allele CA16023282.